The following is an entry in ClinVar:

NM_007127.3(VIL1):c.128G>A (p.Gly43Asp)

Gene: VIL1 (villin 1; plus strand). Cytogenetic location: 2q35.
Variant type: single nucleotide variant.
Coding change: c.128G>A on transcript NM_007127.3 (MANE Select); coding-DNA position 128, G replaced by A.
Protein change: p.Gly43Asp; replaces glycine 43 with aspartic acid.
Molecular consequence: missense variant.
Genome position (GRCh38, 1-based): chr2:218,424,329, G>A. VCF-style: chr2-218424329-G-A. GRCh37 (hg19) VCF-style: chr2-219289052-G-A.
Other names: short protein forms G43D.
Identifiers: ClinVar variation 3053798 (VCV003053798.2), dbSNP rs139853675, ClinGen allele CA2105967.

ClinVar aggregate classification (germline): Benign (0 of 4 stars; one submission).

Conditions:
VIL1-related disorder. Also called: VIL1-related condition.

Allele frequency attached by ClinVar (database versions not stated): gnomAD exomes 0.00029; ExAC 0.00092; 1000 Genomes Project 30x 0.00141; 1000 Genomes Project 0.00160; gnomAD 0.00290; TOPMed 0.00348; ESP Exome Variant Server 0.00361.

Submission:

PreventionGenetics, part of Exact Sciences
Classification: Benign for VIL1-related condition. Last evaluated: 2019-08-21. Review status: no assertion criteria provided. Collection method: clinical testing. Allele origin: germline.
Comment: This variant is classified as benign based on ACMG/AMP sequence variant interpretation guidelines (Richards et al. 2015 PMID: 25741868, with internal and published modifications).